The following is an entry in ClinVar:

ClinVar aggregate classification (germline): Uncertain significance (1 of 4 stars; one submission).

Allele frequency attached by ClinVar (database versions not stated): gnomAD exomes 0.00001.
gnomAD v4.1: 11 of 1,614,070 alleles (0.00068%); highest among the groups gnomAD compares: Admixed American, 0.0017%; no homozygotes.

Submission:

Labcorp Genetics (formerly Invitae), Labcorp
Classification: Uncertain significance. Last evaluated: 2025-07-07. Review status: criteria provided, single submitter. Criteria: Invitae Variant Classification Sherloc (09022015). Collection method: clinical testing. Allele origin: germline.
Comment: This sequence change creates a premature translational stop signal (p.Arg609*) in the AK7 gene. It is expected to result in an absent or disrupted protein product. However, the current clinical and genetic evidence is not sufficient to establish whether loss-of-function variants in AK7 cause disease. This variant is present in population databases (rs778246524, gnomAD 0.0009%). This variant has not been reported in the literature in individuals affected with AK7-related conditions. ClinVar contains an entry for this variant (Variation ID: 2092392). Algorithms developed to predict the effect of sequence changes on RNA splicing suggest that this variant may disrupt the consensus splice site. In summary, the available evidence is currently insufficient to determine the role of this variant in disease. Therefore, it has been classified as a Variant of Uncertain Significance.

NM_152327.5(AK7):c.1825C>T (p.Arg609Ter)

Gene: AK7 (adenylate kinase 7; plus strand). Cytogenetic location: 14q32.2.
Variant type: single nucleotide variant.
Coding change: c.1825C>T on transcript NM_152327.5 (MANE Select); coding-DNA position 1825, C replaced by T.
Protein change: p.Arg609Ter; replaces arginine 609 with a stop codon.
Molecular consequence: nonsense.
Genome position (GRCh38, 1-based): chr14:96,483,070, C>T. VCF-style: chr14-96483070-C-T. GRCh37 (hg19) VCF-style: chr14-96949407-C-T.
Other names: c.1756C>T, p.Arg586Ter (NM_001350888.2, NM_001350890.2); c.1747C>T, p.Arg583Ter (NM_001350891.2); c.1627C>T, p.Arg543Ter (NM_001350892.2); short protein forms R543*, R583*, R586*, R609*.
Identifiers: ClinVar variation 2092392 (VCV002092392.4), dbSNP rs778246524, ClinGen allele CA7337975.